The following is an entry in ClinVar:

NM_004817.4(TJP2):c.3189G>A (p.Glu1063=)

Gene: TJP2 (tight junction protein 2; plus strand). Cytogenetic location: 9q21.11.
Variant type: single nucleotide variant.
Coding change: c.3189G>A on transcript NM_004817.4 (MANE Select); coding-DNA position 3189, G replaced by A.
Protein change: p.Glu1063=; no amino-acid change (glutamic acid 1063 retained).
Molecular consequence: synonymous variant. On other transcripts: intron variant (3).
Genome position (GRCh38, 1-based): chr9:69,251,232, G>A. VCF-style: chr9-69251232-G-A. GRCh37 (hg19) VCF-style: chr9-71866148-G-A.
Other names: c.3090G>A, p.Glu1030= (NM_001170415.1); c.3282G>A, p.Glu1094= (NM_001170416.2); c.3114G>A, p.Glu1038= (NM_001369870.1); c.3120G>A, p.Glu1040= (NM_001369871.1); c.3078G>A, p.Glu1026= (NM_001369872.1); c.2865G>A, p.Glu955= (NM_001369873.1); c.3201G>A, p.Glu1067= (NM_001369875.1); c.2812-1583G>A (NM_001170414.2); and 2 more.
Identifiers: ClinVar variation 5000829 (VCV005000829.1).
Genomic context (GRCh38, chr9:69,251,232, plus strand): 5'-TACCTTTGGGCGGTCTATACTGAAGCCCTCCACTCCCATCCCTCCTCAAGAGGGTGAGGA[G>A]GTGGGAGAGAGCAGTGAGGAGCAAGATAATGCTCCCAAATCAGTCCTGGGCAAAGTCAAA-3'
Protein context (NP_004808.2, residues 1053-1073): STPIPPQEGE[Glu1063=]VGESSEEQDN

ClinVar aggregate classification (germline): Likely benign (1 of 4 stars; one submission).

Conditions:
TJP2-related disorder. Also called: TJP2-related condition.

Submission:

PreventionGenetics, part of Exact Sciences
Classification: Likely benign for TJP2-related condition. Last evaluated: 2025-01-25. Review status: criteria provided, single submitter. Criteria: ACMG Guidelines, 2015. Collection method: clinical testing. Allele origin: germline.
Comment: This variant is classified as likely benign based on ACMG/AMP sequence variant interpretation guidelines (Richards et al. 2015 PMID: 25741868, with internal and published modifications).